The following is an entry in ClinVar:

ClinVar aggregate classification (germline): Uncertain significance (1 of 4 stars; one submission).

Conditions:
Inborn genetic diseases. Identifiers: MedGen C0950123, MeSH D030342.

Allele frequency attached by ClinVar (database versions not stated): gnomAD exomes below 0.00001.
gnomAD v4.1: 1 of 1,611,336 alleles (0.000062%); highest among the groups gnomAD compares: African/African-American, 0.0013%; no homozygotes.

Submission:

Ambry Genetics
Classification: Uncertain significance for Inborn genetic diseases. Last evaluated: 2023-03-25. Review status: criteria provided, single submitter. Criteria: Ambry Variant Classification Scheme 2023. Collection method: clinical testing. Allele origin: germline.
Comment: The p.F2262V variant (also known as c.6784T>G), located in coding exon 46 of the LRRK2 gene, results from a T to G substitution at nucleotide position 6784. The phenylalanine at codon 2262 is replaced by valine, an amino acid with highly similar properties. This amino acid position is conserved. In addition, the in silico prediction for this alteration is inconclusive. Since supporting evidence is limited at this time, the clinical significance of this alteration remains unclear.

NM_198578.4(LRRK2):c.6784T>G (p.Phe2262Val)

Gene: LRRK2 (leucine rich repeat kinase 2; plus strand). Cytogenetic location: 12q12.
Variant type: single nucleotide variant.
Coding change: c.6784T>G on transcript NM_198578.4 (MANE Select); coding-DNA position 6784, T replaced by G.
Protein change: p.Phe2262Val; replaces phenylalanine 2262 with valine.
Molecular consequence: missense variant.
Genome position (GRCh38, 1-based): chr12:40,356,128, T>G. VCF-style: chr12-40356128-T-G. GRCh37 (hg19) VCF-style: chr12-40749930-T-G.
Other names: short protein forms F2262V.
Identifiers: ClinVar variation 2562417 (VCV002562417.2), dbSNP rs2500000421, ClinGen allele CA384410046.